The following is an entry in ClinVar:

NM_207421.4(PADI6):c.1017C>T (p.Ser339=)

Gene: PADI6 (peptidyl arginine deiminase 6; plus strand). Cytogenetic location: 1p36.13.
Variant type: single nucleotide variant.
Coding change: c.1017C>T on transcript NM_207421.4 (MANE Select); coding-DNA position 1017, C replaced by T.
Protein change: p.Ser339=; no amino-acid change (serine 339 retained).
Molecular consequence: synonymous variant.
Genome position (GRCh38, 1-based): chr1:17,392,168, C>T. VCF-style: chr1-17392168-C-T. GRCh37 (hg19) VCF-style: chr1-17718663-C-T.
Identifiers: ClinVar variation 3055140 (VCV003055140.2), dbSNP rs372214311, ClinGen allele CA18646032.

ClinVar aggregate classification (germline): Likely benign (0 of 4 stars; one submission).

Conditions:
PADI6-related disorder. Also called: PADI6-related condition.

Allele frequency attached by ClinVar (database versions not stated): ExAC 0.00015; ESP Exome Variant Server 0.00032; 1000 Genomes Project 0.00040; 1000 Genomes Project 30x 0.00062.
gnomAD v4.1: 81 of 1,562,040 alleles (0.0052%); highest among the groups gnomAD compares: African/African-American, 0.094%; no homozygotes.

Submission:

PreventionGenetics, part of Exact Sciences
Classification: Likely benign for PADI6-related condition. Last evaluated: 2021-03-25. Review status: no assertion criteria provided. Collection method: clinical testing. Allele origin: germline.
Comment: This variant is classified as likely benign based on ACMG/AMP sequence variant interpretation guidelines (Richards et al. 2015 PMID: 25741868, with internal and published modifications).